The following is an entry in ClinVar:

NM_001035.3(RYR2):c.9778C>T (p.Arg3260Trp)

Gene: RYR2 (ryanodine receptor 2; plus strand). Cytogenetic location: 1q43.
Variant type: single nucleotide variant.
Coding change: c.9778C>T on transcript NM_001035.3 (MANE Select); coding-DNA position 9778, C replaced by T.
Protein change: p.Arg3260Trp; replaces arginine 3260 with tryptophan.
Molecular consequence: missense variant.
Genome position (GRCh38, 1-based): chr1:237,707,146, C>T. VCF-style: chr1-237707146-C-T. GRCh37 (hg19) VCF-style: chr1-237870446-C-T.
Other names: short protein forms R3260W.
Identifiers: ClinVar variation 928309 (VCV000928309.18), dbSNP rs765325906, ClinGen allele CA087956.
Genomic context (GRCh38, chr1:237,707,146, plus strand): 5'-CCCATGCTTTGCAGCTACATGTCTCGTTGGTGGGAGCATGGACCTGAGAACAATCCAGAA[C>T]GGGCCGAGATGTGCTGCACAGCCCTGAACTCAGAGCACATGAACACACTTCTAGGGAACA-3'
Protein context (NP_001026.2, residues 3250-3270): WEHGPENNPE[Arg3260Trp]AEMCCTALNS

ClinVar aggregate classification (germline): Conflicting classifications of pathogenicity. Review status: criteria provided, conflicting classifications (1 of 4 stars). 4 submissions from 4 submitters: Uncertain significance (3); Likely benign (1). Last evaluated 2025-08-13.

Conditions:
Cardiomyopathy (CMYO). Also called: Cardiomyopathies. Identifiers: Orphanet 167848, MedGen C0878544, MONDO:0004994, HP:0001638. Inheritance: Various modes of inheritance.
Cardiovascular phenotype. Identifiers: MedGen CN230736.
Catecholaminergic polymorphic ventricular tachycardia (CVPT). Also called: Catecholamine-induced polymorphic ventricular tachycardia. Identifiers: Orphanet 3286, MedGen C5574922, MONDO:0017990.
Catecholaminergic polymorphic ventricular tachycardia 1. Also called: VENTRICULAR TACHYCARDIA, CATECHOLAMINERGIC POLYMORPHIC, 1, WITH OR WITHOUT ATRIAL DYSFUNCTION AND/OR DILATED CARDIOMYOPATHY; VENTRICULAR TACHYCARDIA, STRESS-INDUCED POLYMORPHIC 1; RYR2-Related Catecholaminergic Polymorphic Ventricular Tachycardia. Identifiers: Orphanet 3286, MedGen C1631597, MONDO:0011484, OMIM 604772.

Allele frequency attached by ClinVar (database versions not stated): gnomAD 0.00001; ExAC 0.00004; gnomAD exomes 0.00005 and 0.00006.
gnomAD v4.1: 88 of 1,613,618 alleles (0.0055%); highest among the groups gnomAD compares: South Asian, 0.0088%; no homozygotes.

Submissions (4):

Labcorp Genetics (formerly Invitae), Labcorp
Classification: Likely benign for Catecholaminergic polymorphic ventricular tachycardia 1. Last evaluated: 2025-08-13. Review status: criteria provided, single submitter. Criteria: Invitae Variant Classification Sherloc (09022015). Collection method: clinical testing. Allele origin: germline.

Ambry Genetics
Classification: Uncertain significance for Cardiovascular phenotype. Last evaluated: 2025-04-01. Review status: criteria provided, single submitter. Criteria: Ambry Variant Classification Scheme 2023. Collection method: clinical testing. Allele origin: germline.
Comment: The p.R3260W variant (also known as c.9778C>T), located in coding exon 68 of the RYR2 gene, results from a C to T substitution at nucleotide position 9778. The arginine at codon 3260 is replaced by tryptophan, an amino acid with dissimilar properties. This alteration has been reported in a subject with cardiomyopathy, atrial arrhythmia and neuromuscular disorder (Seidelmann SB et al. Circ Cardiovasc Genet, 2017 Feb;10). This alteration has also been reported in exome sequencing cohort (Landstrom AP et al. Circ Arrhythm Electrophysiol, 2017 Apr;10; Bajaj A et al. Hum Genomics, 2022 Aug;16:30). This amino acid position is not well conserved in available vertebrate species. In addition, this alteration is predicted to be tolerated by in silico analysis. Since supporting evidence is limited at this time, the clinical significance of this alteration remains unclear.

All of Us Research Program, National Institutes of Health
Classification: Uncertain significance for Catecholaminergic polymorphic ventricular tachycardia. Last evaluated: 2024-09-23. Review status: criteria provided, single submitter. Criteria: ACMG Guidelines, 2015. Collection method: clinical testing. Allele origin: germline. Inheritance: Autosomal dominant inheritance. Observed: 10 variant alleles, 10 heterozygotes.
Comment: This missense variant replaces arginine with tryptophan at codon 3260 of the RYR2 protein. Computational prediction suggests that this variant may not impact protein structure and function (internally defined REVEL score threshold <= 0.5, PMID: 27666373). To our knowledge, functional studies have not been reported for this variant. This variant has been reported in an individual affected with non-specific dilated non-ischemic cardiomyopathy (PMID: 28087566). This variant has been identified in 12/248928 chromosomes in the general population by the Genome Aggregation Database (gnomAD). The available evidence is insufficient to determine the role of this variant in disease conclusively. Therefore, this variant is classified as a Variant of Uncertain Significance.

This study involves interpretation of variants in research participants for the purpose of population health screening. Participant phenotype was not available at the time of variant classification. Additional details can be found in publication PMID: 35346344, PMCID: PMC8962531

Color Diagnostics, LLC DBA Color Health
Classification: Uncertain significance for Cardiomyopathy. Last evaluated: 2024-05-02. Review status: criteria provided, single submitter. Criteria: ACMG Guidelines, 2015. Collection method: clinical testing. Allele origin: germline.
Comment: This missense variant replaces arginine with tryptophan at codon 3260 of the RYR2 protein. Computational prediction suggests that this variant may not impact protein structure and function (internally defined REVEL score threshold <= 0.5, PMID: 27666373). To our knowledge, functional studies have not been reported for this variant. This variant has been reported in an individual affected with non-specific dilated non-ischemic cardiomyopathy (PMID: 28087566). This variant has been identified in 12/248928 chromosomes in the general population by the Genome Aggregation Database (gnomAD). The available evidence is insufficient to determine the role of this variant in disease conclusively. Therefore, this variant is classified as a Variant of Uncertain Significance.

Literature cited by the submitters: PubMed 28087566 (cited by 3 submitters); PubMed 28404607 (cited by Ambry Genetics); PubMed 35932045 (cited by Ambry Genetics).